The following is an entry in ClinVar:

NM_001792.5(CDH2):c.11T>G (p.Ile4Arg)

Gene: CDH2 (cadherin 2; minus strand). Cytogenetic location: 18q12.1.
Variant type: single nucleotide variant.
Coding change: c.11T>G on transcript NM_001792.5 (MANE Select); coding-DNA position 11, T replaced by G.
Protein change: p.Ile4Arg; replaces isoleucine 4 with arginine.
Molecular consequence: missense variant.
Genome position (GRCh38, 1-based): chr18:28,177,012, A>C on the plus strand (T>G on the coding strand, the complement: CDH2 is on the minus strand). VCF-style: chr18-28177012-A-C. GRCh37 (hg19) VCF-style: chr18-25756976-A-C.
Other names: short protein forms I4R.
Identifiers: ClinVar variation 2084696 (VCV002084696.5), dbSNP rs2510801382, ClinGen allele CA402245141.

ClinVar aggregate classification (germline): Uncertain significance. Review status: criteria provided, multiple submitters, no conflicts (2 of 4 stars). 2 submissions from 2 submitters: Uncertain significance (2). Last evaluated 2024-10-07.

Submissions (2):

Women's Health and Genetics/Laboratory Corporation of America, LabCorp
Classification: Uncertain significance. Last evaluated: 2024-10-07. Review status: criteria provided, single submitter. Criteria: LabCorp Variant Classification Summary - May 2015. Collection method: clinical testing. Allele origin: germline.
Comment: Variant summary: CDH2 c.11T>G (p.Ile4Arg) results in a non-conservative amino acid change in the encoded protein sequence. Three of five in-silico tools predict a benign effect of the variant on protein function. The frequency data for this variant in gnomAD is considered unreliable, as metrics indicate poor data quality at this position. To our knowledge, no occurrence of c.11T>G in individuals affected with CDH2-Related Disorders and no experimental evidence demonstrating its impact on protein function have been reported. ClinVar contains an entry for this variant (Variation ID: 2084696). Based on the evidence outlined above, the variant was classified as uncertain significance.

Labcorp Genetics (formerly Invitae), Labcorp
Classification: Uncertain significance. Last evaluated: 2022-09-01. Review status: criteria provided, single submitter. Criteria: Invitae Variant Classification Sherloc (09022015). Collection method: clinical testing. Allele origin: germline.
Comment: In summary, the available evidence is currently insufficient to determine the role of this variant in disease. Therefore, it has been classified as a Variant of Uncertain Significance. Algorithms developed to predict the effect of missense changes on protein structure and function are either unavailable or do not agree on the potential impact of this missense change (SIFT: "Deleterious"; PolyPhen-2: "Benign"; Align-GVGD: "Class C0"). This variant has not been reported in the literature in individuals affected with CDH2-related conditions. This variant is not present in population databases (gnomAD no frequency). This sequence change replaces isoleucine, which is neutral and non-polar, with arginine, which is basic and polar, at codon 4 of the CDH2 protein (p.Ile4Arg).